The following is an entry in ClinVar:

NM_001127511.3(APC):c.27G>A (p.Pro9=)

Gene: APC (APC regulator of Wnt signaling pathway; plus strand). Cytogenetic location: 5q22.2.
Variant type: single nucleotide variant.
Coding change: c.27G>A on transcript NM_001127511.3; coding-DNA position 27, G replaced by A.
Protein change: p.Pro9=; no amino-acid change (proline 9 retained).
Molecular consequence: synonymous variant. On other transcripts: 5 prime UTR variant (8), non-coding transcript variant (1), intron variant (5).
Genome position (GRCh38, 1-based): chr5:112,707,744, G>A. VCF-style: chr5-112707744-G-A. GRCh37 (hg19) VCF-style: chr5-112043441-G-A.
Other names: c.-157G>A (NM_001407447.1, NM_001407452.1, NM_001407456.1 and 3 more transcripts); c.-1192G>A (NM_001407470.1, NM_001407472.1); c.-19+95G>A (NM_001407448.1, NM_001407450.1, NM_001407457.1 and 1 more transcripts); c.-43+95G>A (NM_001407453.1); c.27G>A, p.Pro9= (NM_001354897.2, NM_001354902.2, NM_001407446.1).
Identifiers: ClinVar variation 1377123 (VCV001377123.7), dbSNP rs761592349, ClinGen allele CA2573138801.

ClinVar aggregate classification (germline): Uncertain significance (1 of 4 stars; one submission).

Conditions:
Familial adenomatous polyposis 1 (FAP1). Also called: FAMILIAL ADENOMATOUS POLYPOSIS 1, ATTENUATED; POLYPOSIS, ADENOMATOUS INTESTINAL. Identifiers: MedGen C2713442, MONDO:0021056, OMIM 175100. Disease mechanism: loss of function.

gnomAD v4.1: 1 of 1,370,628 alleles (0.000073%); highest among the groups gnomAD compares: Non-Finnish European, 0.000096%; no homozygotes.

Submission:

Labcorp Genetics (formerly Invitae), Labcorp
Classification: Uncertain significance for Familial adenomatous polyposis 1. Last evaluated: 2021-08-23. Review status: criteria provided, single submitter. Criteria: Invitae Variant Classification Sherloc (09022015). Collection method: clinical testing. Allele origin: germline.
Comment: In summary, the available evidence is currently insufficient to determine the role of this variant in disease. Therefore, it has been classified as a Variant of Uncertain Significance. Algorithms developed to predict the effect of sequence changes on RNA splicing suggest that this variant may create or strengthen a splice site. This variant has not been reported in the literature in individuals affected with APC-related conditions. The frequency data for this variant in the population databases is considered unreliable, as metrics indicate insufficient coverage at this position in the ExAC database. This variant occurs in a non-coding region of the APC gene. It does not change the encoded amino acid sequence of the APC protein.